The following is an entry in ClinVar:

ClinVar aggregate classification (germline): Uncertain significance (1 of 4 stars; one submission).

Conditions:
Nephronophthisis 14 (NPHP14). Identifiers: Orphanet 2318, MedGen C3539071, MONDO:0013916, OMIM 614844.

Allele frequency attached by ClinVar (database versions not stated): gnomAD exomes below 0.00001.
gnomAD v4.1: 1 of 1,606,860 alleles (0.000062%); highest among the groups gnomAD compares: Non-Finnish European, 0.000085%; no homozygotes.

Submission:

Labcorp Genetics (formerly Invitae), Labcorp
Classification: Uncertain significance for Nephronophthisis 14. Last evaluated: 2022-10-13. Review status: criteria provided, single submitter. Criteria: Invitae Variant Classification Sherloc (09022015). Collection method: clinical testing. Allele origin: germline.
Comment: In summary, the available evidence is currently insufficient to determine the role of this variant in disease. Therefore, it has been classified as a Variant of Uncertain Significance. Advanced modeling of protein sequence and biophysical properties (such as structural, functional, and spatial information, amino acid conservation, physicochemical variation, residue mobility, and thermodynamic stability) performed at Invitae indicates that this missense variant is not expected to disrupt ZNF423 protein function. ClinVar contains an entry for this variant (Variation ID: 1367413). This variant has not been reported in the literature in individuals affected with ZNF423-related conditions. This variant is not present in population databases (gnomAD no frequency). This sequence change replaces glycine, which is neutral and non-polar, with serine, which is neutral and polar, at codon 1048 of the ZNF423 protein (p.Gly1048Ser).

NM_001379286.1(ZNF423):c.3166G>A (p.Gly1056Ser)

Gene: ZNF423 (zinc finger protein 423; minus strand). Cytogenetic location: 16q12.1.
Variant type: single nucleotide variant.
Coding change: c.3166G>A on transcript NM_001379286.1 (MANE Select); coding-DNA position 3166, G replaced by A.
Protein change: p.Gly1056Ser; replaces glycine 1056 with serine.
Molecular consequence: missense variant.
Genome position (GRCh38, 1-based): chr16:49,636,010, C>T on the plus strand (G>A on the coding strand, the complement: ZNF423 is on the minus strand). VCF-style: chr16-49636010-C-T. GRCh37 (hg19) VCF-style: chr16-49669921-C-T.
Other names: c.2962G>A, p.Gly988Ser (NM_001271620.2); c.2791G>A, p.Gly931Ser (NM_001330533.2); c.3142G>A, p.Gly1048Ser (NM_015069.5); short protein forms G931S, G1048S, G1056S, G988S.
Identifiers: ClinVar variation 1367413 (VCV001367413.7), dbSNP rs913627419, ClinGen allele CA281211005.
Genomic context (GRCh38, chr16:49,636,010, plus strand): 5'-GGGCGCACTTGTAGAGCTTCTGCAGCCCCTGGCCATTGGGGGAGGACGCCGCTGAGCTGC[C>T]CGCCAGCTTCTGCATGTGGAAGGTGCCATGGATCTTGAGCTCAAGCGTGGAAGTGACTGT-3'
Protein context (NP_001366215.1, residues 1046-1066): HGTFHMQKLA[Gly1056Ser]SSAASSPNGQ